The following is an entry in ClinVar:

ClinVar aggregate classification (germline): Uncertain significance (1 of 4 stars; one submission).

Allele frequency attached by ClinVar (database versions not stated): TOPMed below 0.00001; gnomAD 0.00001.
gnomAD v4.1: 4 of 1,613,958 alleles (0.00025%); highest among the groups gnomAD compares: African/African-American, 0.0027%; no homozygotes.

Submission:

Labcorp Genetics (formerly Invitae), Labcorp
Classification: Uncertain significance. Last evaluated: 2023-04-03. Review status: criteria provided, single submitter. Criteria: Invitae Variant Classification Sherloc (09022015). Collection method: clinical testing. Allele origin: germline.
Comment: This sequence change replaces methionine, which is neutral and non-polar, with valine, which is neutral and non-polar, at codon 952 of the CACNA1E protein (p.Met952Val). In summary, the available evidence is currently insufficient to determine the role of this variant in disease. Therefore, it has been classified as a Variant of Uncertain Significance. Advanced modeling of protein sequence and biophysical properties (such as structural, functional, and spatial information, amino acid conservation, physicochemical variation, residue mobility, and thermodynamic stability) performed at Invitae indicates that this missense variant is not expected to disrupt CACNA1E protein function. ClinVar contains an entry for this variant (Variation ID: 2004094). This variant has not been reported in the literature in individuals affected with CACNA1E-related conditions. This variant is not present in population databases (gnomAD no frequency).

NM_001205293.3(CACNA1E):c.2854A>G (p.Met952Val)

Gene: CACNA1E (calcium voltage-gated channel subunit alpha1 E; plus strand). Cytogenetic location: 1q25.3.
Variant type: single nucleotide variant.
Coding change: c.2854A>G on transcript NM_001205293.3 (MANE Select); coding-DNA position 2854, A replaced by G.
Protein change: p.Met952Val; replaces methionine 952 with valine.
Molecular consequence: missense variant.
Genome position (GRCh38, 1-based): chr1:181,732,940, A>G. VCF-style: chr1-181732940-A-G. GRCh37 (hg19) VCF-style: chr1-181702076-A-G.
Other names: c.2854A>G, p.Met952Val (NM_000721.4); c.2797A>G, p.Met933Val (NM_001205294.2); short protein forms M933V, M952V.
Identifiers: ClinVar variation 2004094 (VCV002004094.4), dbSNP rs1468562123, ClinGen allele CA343619237.